The following is an entry in ClinVar:

NM_015662.3(IFT172):c.318C>T (p.Cys106=)

Gene: IFT172 (intraflagellar transport 172; minus strand). Cytogenetic location: 2p23.3.
Variant type: single nucleotide variant.
Coding change: c.318C>T on transcript NM_015662.3 (MANE Select); coding-DNA position 318, C replaced by T.
Protein change: p.Cys106=; no amino-acid change (cysteine 106 retained).
Molecular consequence: synonymous variant.
Genome position (GRCh38, 1-based): chr2:27,484,245, G>A on the plus strand (C>T on the coding strand, the complement: IFT172 is on the minus strand). VCF-style: chr2-27484245-G-A. GRCh37 (hg19) VCF-style: chr2-27707112-G-A.
Other names: c.318C>T (NM_015662.2).
Identifiers: ClinVar variation 1088751 (VCV001088751.11), dbSNP rs772983278, ClinGen allele CA1581042.

ClinVar aggregate classification (germline): Conflicting classifications of pathogenicity. Review status: criteria provided, conflicting classifications (1 of 4 stars). 3 submissions from 3 submitters: Uncertain significance (1); Likely benign (1). 1 of the submissions does not count toward it. Last evaluated 2025-04-11.

Conditions:
Retinitis pigmentosa 71 (RP71). Identifiers: Orphanet 791, MedGen C4225342, MONDO:0014618, OMIM 616394.
Short-rib thoracic dysplasia 10 with or without polydactyly (SRTD10). Identifiers: Orphanet 474, MedGen C3810175, MONDO:0014284, OMIM 615630.
Bardet-Biedl syndrome 20. Identifiers: MedGen C4310707, MONDO:0023670, OMIM 619471, MONDO:0014926.
IFT172-related disorder. Also called: IFT172-related condition; IFT172-related disorders.

Allele frequency attached by ClinVar (database versions not stated): gnomAD exomes below 0.00001; ExAC 0.00001; gnomAD 0.00003 and 0.00004; TOPMed 0.00005.
gnomAD v4.1: 6 of 1,613,838 alleles (0.00037%); highest among the groups gnomAD compares: African/African-American, 0.008%; no homozygotes.

Submissions (3):

Labcorp Genetics (formerly Invitae), Labcorp
Classification: Likely benign for Retinitis pigmentosa 71; Short-rib thoracic dysplasia 10 with or without polydactyly. Last evaluated: 2025-04-11. Review status: criteria provided, single submitter. Criteria: Invitae Variant Classification Sherloc (09022015). Collection method: clinical testing. Allele origin: germline.

Fulgent Genetics
Classification: Uncertain significance for Short-rib thoracic dysplasia 10 with or without polydactyly; Retinitis pigmentosa 71; Bardet-Biedl syndrome 20. Last evaluated: 2024-05-01. Review status: criteria provided, single submitter. Criteria: ACMG Guidelines, 2015. Collection method: clinical testing. Allele origin: germline.

PreventionGenetics, part of Exact Sciences
Classification: Likely benign for IFT172-related condition. Last evaluated: 2019-12-13. Review status: no assertion criteria provided. Collection method: clinical testing. Allele origin: germline. Not counted in ClinVar's aggregate classification.
Comment: This variant is classified as likely benign based on ACMG/AMP sequence variant interpretation guidelines (Richards et al. 2015 PMID: 25741868, with internal and published modifications).